The following is an entry in ClinVar:

ClinVar aggregate classification (germline): Uncertain significance. Review status: criteria provided, multiple submitters, no conflicts (2 of 4 stars). 2 submissions from 2 submitters: Uncertain significance (2). Last evaluated 2022-11-30.

Conditions:
Hyperkalemic periodic paralysis. Also called: Familial hyperkalemic periodic paralysis; Gamstorp disease. Identifiers: Orphanet 682, MedGen C0238357, MONDO:0008224, OMIM 170500, HP:0007215.

Submissions (2):

Illumina Laboratory Services, Illumina
Classification: Uncertain significance. Last evaluated: 2022-11-30. Review status: criteria provided, single submitter. Criteria: ICSL CNVClassificationCriteria Aug2020. Collection method: clinical testing. Allele origin: unknown. Affected: yes.
Comment: The SCN4A c.704-6G>A variant occurs in a splice region and results in the substitution of a guanine at nucleotide position c.704-6 with an adenine and is predicted to result in splicing defects. To our knowledge, this variant has not been reported in the peer-reviewed literature. This variant is reported in the Genome Aggregation Database in one allele at a frequency of 0.000015 in the European (non-Finnish) population (version 3.1.2). Based on the available evidence, the c.704-6G>A variant is classified as a variant of uncertain significance for SCN4A-related channelopathies.

Labcorp Genetics (formerly Invitae), Labcorp
Classification: Uncertain significance for Hyperkalemic periodic paralysis. Last evaluated: 2022-06-22. Review status: criteria provided, single submitter. Criteria: Invitae Variant Classification Sherloc (09022015). Collection method: clinical testing. Allele origin: germline.
Comment: This sequence change falls in intron 5 of the SCN4A gene. It does not directly change the encoded amino acid sequence of the SCN4A protein. This variant is not present in population databases (gnomAD no frequency). This variant has not been reported in the literature in individuals affected with SCN4A-related conditions. Algorithms developed to predict the effect of sequence changes on RNA splicing suggest that this variant may disrupt the consensus splice site. In summary, the available evidence is currently insufficient to determine the role of this variant in disease. Therefore, it has been classified as a Variant of Uncertain Significance.

NM_000334.4(SCN4A):c.704-6G>A

Gene: SCN4A (sodium voltage-gated channel alpha subunit 4; minus strand). Cytogenetic location: 17q23.3.
Variant type: single nucleotide variant.
Coding change: c.704-6G>A on transcript NM_000334.4 (MANE Select); 6 bases into the intron before coding-DNA position 704, G replaced by A.
Molecular consequence: intron variant.
Genome position (GRCh38, 1-based): chr17:63,968,361, C>T on the plus strand (G>A on the coding strand, the complement: SCN4A is on the minus strand). VCF-style: chr17-63968361-C-T. GRCh37 (hg19) VCF-style: chr17-62045721-C-T.
Identifiers: ClinVar variation 2141623 (VCV002141623.7), dbSNP rs368225907, ClinGen allele CA985436557.
Genomic context (GRCh38, chr17:63,968,361, plus strand): 5'-ACATCCGACAGCTTTTTCACCGACTGGATCAGGGCCCCCACGATCGTCTTCAGCCCTGAC[C>T]GCAGAGAGGGCAAGGATATTGGCAGGGGGCAGGGCAGGGTGATAACAGAGCCCCCGCGGC-3'